The following is an entry in ClinVar:

ClinVar aggregate classification (germline): Uncertain significance (1 of 4 stars; one submission).

Conditions:
Autosomal recessive spastic paraplegia type 78. Identifiers: Orphanet 513436, MedGen C5567893, MONDO:0014975, OMIM 617225.
Kufor-Rakeb syndrome (KRS). Also called: PARKINSON DISEASE 9, AUTOSOMAL RECESSIVE, JUVENILE-ONSET. Identifiers: Orphanet 306674, Orphanet 314632, MedGen C1847640, MONDO:0011706, OMIM 606693.

Submission:

Labcorp Genetics (formerly Invitae), Labcorp
Classification: Uncertain significance for Kufor-Rakeb syndrome; Autosomal recessive spastic paraplegia type 78. Last evaluated: 2021-11-07. Review status: criteria provided, single submitter. Criteria: Invitae Variant Classification Sherloc (09022015). Collection method: clinical testing. Allele origin: germline.
Comment: In summary, the available evidence is currently insufficient to determine the role of this variant in disease. Therefore, it has been classified as a Variant of Uncertain Significance. Advanced modeling of protein sequence and biophysical properties (such as structural, functional, and spatial information, amino acid conservation, physicochemical variation, residue mobility, and thermodynamic stability) performed at Invitae indicates that this missense variant is not expected to disrupt ATP13A2 protein function. This variant has not been reported in the literature in individuals affected with ATP13A2-related conditions. This variant is not present in population databases (gnomAD no frequency). This sequence change replaces lysine, which is basic and polar, with asparagine, which is neutral and polar, at codon 1157 of the ATP13A2 protein (p.Lys1157Asn).

NM_022089.4(ATP13A2):c.3471G>T (p.Lys1157Asn)

Gene: ATP13A2 (ATPase cation transporting 13A2; minus strand). Cytogenetic location: 1p36.13.
Variant type: single nucleotide variant.
Coding change: c.3471G>T on transcript NM_022089.4 (MANE Select); coding-DNA position 3471, G replaced by T.
Protein change: p.Lys1157Asn; replaces lysine 1157 with asparagine.
Molecular consequence: missense variant.
Genome position (GRCh38, 1-based): chr1:16,986,293, C>A on the plus strand (G>T on the coding strand, the complement: ATP13A2 is on the minus strand). VCF-style: chr1-16986293-C-A. GRCh37 (hg19) VCF-style: chr1-17312788-C-A.
Other names: c.3456G>T, p.Lys1152Asn (NM_001141973.3); c.3169G>T, p.Ala1057Ser (NM_001141974.3); short protein forms K1152N, K1157N, A1057S.
Identifiers: ClinVar variation 1374900 (VCV001374900.6), dbSNP rs2100626361, ClinGen allele CA338232329.